The following is an entry in ClinVar:

ClinVar aggregate classification (germline): Conflicting classifications of pathogenicity. Review status: criteria provided, conflicting classifications (1 of 4 stars). 3 submissions from 3 submitters: Uncertain significance (1); Likely benign (2). Last evaluated 2025-12-24.

Conditions:
Spermatogenic failure 46. Identifiers: MedGen C5436799, MONDO:0033673, OMIM 619095.
Primary ciliary dyskinesia. Also called: Ciliary dyskinesia. Identifiers: Orphanet 244, MedGen C0008780, MONDO:0016575, HP:0012265.

Allele frequency attached by ClinVar (database versions not stated): gnomAD 0.00021 and 0.00027; ESP Exome Variant Server 0.00038; TOPMed 0.00038; 1000 Genomes Project 0.00060; 1000 Genomes Project 30x 0.00062.
gnomAD v4.1: 474 of 1,613,482 alleles (0.029%); highest among the groups gnomAD compares: East Asian, 0.26%; 1 homozygote.

Submissions (3):

Labcorp Genetics (formerly Invitae), Labcorp
Classification: Likely benign for Primary ciliary dyskinesia. Last evaluated: 2025-12-24. Review status: criteria provided, single submitter. Criteria: Invitae Variant Classification Sherloc (09022015). Collection method: clinical testing. Allele origin: germline.

GeneDx
Classification: Uncertain significance. Last evaluated: 2023-04-17. Review status: criteria provided, single submitter. Criteria: GeneDx Variant Classification Process June 2021. Collection method: clinical testing. Allele origin: germline. Affected: yes.
Comment: In silico analysis supports that this missense variant does not alter protein structure/function; Has not been previously published as pathogenic or benign to our knowledge

Fulgent Genetics
Classification: Likely benign for Spermatogenic failure 46. Last evaluated: 2022-01-12. Review status: criteria provided, single submitter. Criteria: ACMG Guidelines, 2015. Collection method: clinical testing. Allele origin: unknown.

NM_001206927.2(DNAH8):c.725G>A (p.Arg242His)

Gene: DNAH8 (dynein axonemal heavy chain 8; plus strand). Cytogenetic location: 6p21.2.
Variant type: single nucleotide variant.
Coding change: c.725G>A on transcript NM_001206927.2 (MANE Select); coding-DNA position 725, G replaced by A.
Protein change: p.Arg242His; replaces arginine 242 with histidine.
Molecular consequence: missense variant.
Genome position (GRCh38, 1-based): chr6:38,734,588, G>A. VCF-style: chr6-38734588-G-A. GRCh37 (hg19) VCF-style: chr6-38702364-G-A.
Other names: c.74G>A, p.Arg25His (NM_001371.4); short protein forms R242H, R25H.
Identifiers: ClinVar variation 238655 (VCV000238655.14), dbSNP rs142863013, ClinGen allele CA3788025.
Genomic context (GRCh38, chr6:38,734,588, plus strand): 5'-ATATAGACAATGCAGCCCCGGATAAACTAAAAGGACTGTGCATATTTTTTGTTCGTTGCC[G>A]TAATGATGTTGCTATAAATGTTAAAACTATTCAAGAGGTATGTTTAAAAATTTCCCCAAA-3'
Protein context (NP_001193856.1, residues 232-252): KGLCIFFVRC[Arg242His]NDVAINVKTI